The following is an entry in ClinVar:

NM_022114.4(PRDM16):c.3103G>T (p.Ala1035Ser)

Gene: PRDM16 (PR/SET domain 16; plus strand). Cytogenetic location: 1p36.32.
Variant type: single nucleotide variant.
Coding change: c.3103G>T on transcript NM_022114.4 (MANE Select); coding-DNA position 3103, G replaced by T.
Protein change: p.Ala1035Ser; replaces alanine 1035 with serine.
Molecular consequence: missense variant.
Genome position (GRCh38, 1-based): chr1:3,425,744, G>T. VCF-style: chr1-3425744-G-T. GRCh37 (hg19) VCF-style: chr1-3342308-G-T.
Other names: c.3103G>T, p.Ala1035Ser (NM_199454.3); short protein forms A1035S.
Identifiers: ClinVar variation 1304126 (VCV001304126.6), dbSNP rs765394108, ClinGen allele CA338002475.

ClinVar aggregate classification (germline): Uncertain significance. Review status: criteria provided, multiple submitters, no conflicts (2 of 4 stars). 2 submissions from 2 submitters: Uncertain significance (2). Last evaluated 2025-01-07.

Conditions:
Left ventricular noncompaction 8 (LVNC8). Identifiers: Orphanet 154, Orphanet 54260, MedGen C3809288, MONDO:0014152, OMIM 615373.

gnomAD v4.1: 6 of 1,613,378 alleles (0.00037%); highest among the groups gnomAD compares: Non-Finnish European, 0.00051%; no homozygotes.

Submissions (2):

Labcorp Genetics (formerly Invitae), Labcorp
Classification: Uncertain significance for Left ventricular noncompaction 8. Last evaluated: 2025-01-07. Review status: criteria provided, single submitter. Criteria: Invitae Variant Classification Sherloc (09022015). Collection method: clinical testing. Allele origin: germline.
Comment: This sequence change replaces alanine, which is neutral and non-polar, with serine, which is neutral and polar, at codon 1035 of the PRDM16 protein (p.Ala1035Ser). This variant is not present in population databases (gnomAD no frequency). This variant has not been reported in the literature in individuals affected with PRDM16-related conditions. ClinVar contains an entry for this variant (Variation ID: 1304126). An algorithm developed to predict the effect of missense changes on protein structure and function (PolyPhen-2) suggests that this variant is likely to be tolerated. In summary, the available evidence is currently insufficient to determine the role of this variant in disease. Therefore, it has been classified as a Variant of Uncertain Significance.

GeneDx
Classification: Uncertain significance. Last evaluated: 2019-10-21. Review status: criteria provided, single submitter. Criteria: GeneDx Variant Classification Process June 2021. Collection method: clinical testing. Allele origin: germline. Affected: yes.
Comment: Has not been previously published as pathogenic or benign to our knowledge; Not observed in large population cohorts (Lek et al., 2016); In silico analysis, which includes protein predictors and evolutionary conservation, supports that this variant does not alter protein structure/function